The following is an entry in ClinVar:

ClinVar aggregate classification (germline): Conflicting classifications of pathogenicity. Review status: criteria provided, conflicting classifications (1 of 4 stars). 2 submissions from 2 submitters: Uncertain significance (1); Likely benign (1). Last evaluated 2025-07-31.

Conditions:
Inborn genetic diseases. Identifiers: MedGen C0950123, MeSH D030342.

Allele frequency attached by ClinVar (database versions not stated): gnomAD exomes below 0.00001; gnomAD 0.00001; ExAC 0.00003.
gnomAD v4.1: 5 of 1,614,072 alleles (0.00031%); highest among the groups gnomAD compares: East Asian, 0.011%; no homozygotes.

Submissions (2):

Labcorp Genetics (formerly Invitae), Labcorp
Classification: Uncertain significance. Last evaluated: 2025-07-31. Review status: criteria provided, single submitter. Criteria: Invitae Variant Classification Sherloc (09022015). Collection method: clinical testing. Allele origin: germline.
Comment: This sequence change replaces lysine, which is basic and polar, with asparagine, which is neutral and polar, at codon 807 of the KCNQ5 protein (p.Lys807Asn). This variant is present in population databases (rs777512845, gnomAD 0.03%). This variant has not been reported in the literature in individuals affected with KCNQ5-related conditions. ClinVar contains an entry for this variant (Variation ID: 2535552). Invitae Evidence Modeling of protein sequence and biophysical properties (such as structural, functional, and spatial information, amino acid conservation, physicochemical variation, residue mobility, and thermodynamic stability) indicates that this missense variant is not expected to disrupt KCNQ5 protein function with a negative predictive value of 95%. In summary, the available evidence is currently insufficient to determine the role of this variant in disease. Therefore, it has been classified as a Variant of Uncertain Significance.

Ambry Genetics
Classification: Likely benign for Inborn genetic diseases. Last evaluated: 2023-05-10. Review status: criteria provided, single submitter. Criteria: Ambry Variant Classification Scheme 2023. Collection method: clinical testing. Allele origin: germline.

NM_019842.4(KCNQ5):c.2364G>C (p.Lys788Asn)

Gene: KCNQ5 (potassium voltage-gated channel subfamily Q member 5; plus strand). Cytogenetic location: 6q13.
Variant type: single nucleotide variant.
Coding change: c.2364G>C on transcript NM_019842.4 (MANE Select); coding-DNA position 2364, G replaced by C.
Protein change: p.Lys788Asn; replaces lysine 788 with asparagine.
Molecular consequence: missense variant.
Genome position (GRCh38, 1-based): chr6:73,194,979, G>C. VCF-style: chr6-73194979-G-C. GRCh37 (hg19) VCF-style: chr6-73904702-G-C.
Other names: c.2337G>C, p.Lys779Asn (NM_001160130.2); c.2394G>C, p.Lys798Asn (NM_001160132.2); c.2421G>C, p.Lys807Asn (NM_001160133.2); c.2034G>C, p.Lys678Asn (NM_001160134.2); short protein forms K788N, K798N, K678N, K807N, K779N.
Identifiers: ClinVar variation 2535552 (VCV002535552.3), dbSNP rs777512845, ClinGen allele CA3887248.